The following is an entry in ClinVar:

ClinVar aggregate classification (germline): Uncertain significance (0 of 4 stars; one submission).

Conditions:
MAP1A-related disorder. Also called: MAP1A-related condition.

Allele frequency attached by ClinVar (database versions not stated): gnomAD 0.00001; 1000 Genomes Project 30x 0.00016.
gnomAD v4.1: 1 of 1,614,040 alleles (0.000062%); highest among the groups gnomAD compares: East Asian, 0.0022%; no homozygotes.

Submission:

PreventionGenetics, part of Exact Sciences
Classification: Uncertain significance for MAP1A-related condition. Last evaluated: 2023-12-03. Review status: no assertion criteria provided. Collection method: clinical testing. Allele origin: germline.
Comment: The MAP1A c.6602C>T variant is predicted to result in the amino acid substitution p.Ala2201Val. To our knowledge, this variant has not been reported in the literature or in a large population database, indicating this variant is rare. At this time, the clinical significance of this variant is uncertain due to the absence of conclusive functional and genetic evidence.

NM_002373.6(MAP1A):c.6602C>T (p.Ala2201Val)

Gene: MAP1A (microtubule associated protein 1A; plus strand). Cytogenetic location: 15q15.3.
Variant type: single nucleotide variant.
Coding change: c.6602C>T on transcript NM_002373.6 (MANE Select); coding-DNA position 6602, C replaced by T.
Protein change: p.Ala2201Val; replaces alanine 2201 with valine.
Molecular consequence: missense variant.
Genome position (GRCh38, 1-based): chr15:43,528,075, C>T. VCF-style: chr15-43528075-C-T. GRCh37 (hg19) VCF-style: chr15-43820273-C-T.
Other names: c.7316C>T, p.Ala2439Val (NM_001411089.1); short protein forms A2201V, A2439V.
Identifiers: ClinVar variation 3051914 (VCV003051914.2), dbSNP rs2140210425, ClinGen allele CA392176401.